The following is an entry in ClinVar:

NM_000152.5(GAA):c.2799+4A>G

Gene: GAA (alpha glucosidase; plus strand). Cytogenetic location: 17q25.3.
Variant type: single nucleotide variant.
Coding change: c.2799+4A>G on transcript NM_000152.5 (MANE Select); 4 bases into the intron after coding-DNA position 2799, A replaced by G.
Molecular consequence: intron variant.
Genome position (GRCh38, 1-based): chr17:80,118,809, A>G. VCF-style: chr17-80118809-A-G. GRCh37 (hg19) VCF-style: chr17-78092608-A-G.
Other names: c.2799+4A>G (LRG_673t1, NM_001079803.3, NM_001079804.3).
Identifiers: ClinVar variation 286228 (VCV000286228.27), dbSNP rs778032599, ClinGen allele CA8815855.

ClinVar aggregate classification (germline): Likely pathogenic. Review status: reviewed by expert panel (3 of 4 stars). 9 submissions from 9 submitters: Likely pathogenic (1). 8 of the submissions do not count toward it. Last evaluated 2025-09-16.

Conditions:
Glycogen storage disease, type II (IOPD). Also called: GLYCOGENOSIS, GENERALIZED, CARDIAC FORM; GSD II; Glycogen storage disease type 2; Acid maltase deficiency disease; Aglucosidase alfa; Deficiency of alpha-glucosidase. Identifiers: Orphanet 365, MedGen C0017921, MONDO:0009290, OMIM 232300.

Allele frequency attached by ClinVar (database versions not stated): gnomAD exomes below 0.00001 and 0.00002; ExAC 0.00001; TOPMed 0.00002; gnomAD 0.00003.
gnomAD v4.1: 25 of 1,612,804 alleles (0.0016%); highest among the groups gnomAD compares: African/African-American, 0.0053%; no homozygotes.

Submissions (9):

ClinGen Lysosomal Storage Disorder Variant Curation Expert Panel
Classification: Likely pathogenic for Glycogen storage disease, type II. Last evaluated: 2025-09-16. Review status: reviewed by expert panel. Criteria: clingen_lsd_acmg_specifications_v2-1. Collection method: curation. Allele origin: germline. Inheritance: Autosomal recessive inheritance.
Comment: The NM_000152.5:c.2799+4A>G is located in the donor splice site region of intron 19, the final intron of GAA. The computational splicing predictor SpliceAI gives a score of 0.62 for donor loss, predicting that the variant disrupts the donor splice site of this intron (PP3). Two individuals with Pompe disease have been reported to have this variant; one has documentation of deficient GAA activity and is on enzyme replacement therapy (PMID: 26873529) (PP4_Moderate), and the second patient has limb girdle muscular dystrophy (PMID: 30564623). Both individuals are compound heterozygous for this variant and another variant in GAA that has been classified as pathogenic by the ClinGen Lysosomal Diseases VCEP, either c.1548G>A (p.Trp516Ter) (PMID: 26873529) or c.2501_2502delCA (PMID: 30564623); the phase is unknown in each case (PM3). The highest population minor allele frequency in gnomAD v4.1.0. is 0.00005338 (4/74932 alleles) in the African/African American population, which is lower than the ClinGen Lysosomal Diseases VCEP’s threshold for PM2_Supporting (<0.001), meeting this criterion (PM2_Supporting). Additional variants in this splice region have been identified, including c.2799+2C>T, c.2799+2C>A, and c.2799+5G>A (PMID: 28265479); all currently classified by the ClinGen LD VCEP as variants of uncertain significance. In summary, this variant meets the criteria to be classified as likley pathogenic for Pompe disease. GAA-specific ACMG/AMP criteria met, as specified by the ClinGen Lysosomal Diseases Variant Curation Expert Panel (Specifications Version 2.0): PM3, PP4_Moderate, PP3, PM2_Supporting. (Classification approved by the ClinGen Lysosomal Diseases Variant Curation Expert Panel, Sept. 16, 2025)

Genomenon, Inc
Classification: Uncertain significance for Glycogen storage disease, type II. Last evaluated: 2026-07-01. Review status: criteria provided, single submitter. Criteria: Genomenon Sequence Variant Interpretation Standards - Updated. Collection method: curation. Allele origin: germline. Affected: yes. Not counted in ClinVar's aggregate classification.
Comment: GAA c.2799+4A>G is an intronic variant located in the donor splice region of intron 19. This variant has been observed in at least one proband with a GAA-related disorder in the compound heterozygous and/or homozygous state (PMID:27858622;25085675;26873529). It is absent or not present at a significant frequency in gnomAD. In silico models predict that this variant is possibly or probably damaging. In conclusion, we classify GAA c.2799+4A>G as a variant of uncertain significance.

Labcorp Genetics (formerly Invitae), Labcorp
Classification: Likely pathogenic for Glycogen storage disease, type II. Last evaluated: 2025-12-17. Review status: criteria provided, single submitter. Criteria: Invitae Variant Classification Sherloc (09022015). Collection method: clinical testing. Allele origin: germline. Not counted in ClinVar's aggregate classification.
Comment: This sequence change falls in intron 19 of the GAA gene. It does not directly change the encoded amino acid sequence of the GAA protein. It affects a nucleotide within the consensus splice site. This variant is present in population databases (rs778032599, gnomAD 0.007%). This variant has been observed in individual(s) with clinical features of GAA-related conditions (PMID: 26873529, 30564623; internal data). In at least one individual the data is consistent with being in trans (on the opposite chromosome) from a pathogenic variant. ClinVar contains an entry for this variant (Variation ID: 286228). Variants that disrupt the consensus splice site are a relatively common cause of aberrant splicing (PMID: 17576681, 9536098). Algorithms developed to predict the effect of sequence changes on RNA splicing suggest that this variant may disrupt the consensus splice site. In summary, the currently available evidence indicates that the variant is pathogenic, but additional data are needed to prove that conclusively. Therefore, this variant has been classified as Likely Pathogenic.

Women's Health and Genetics/Laboratory Corporation of America, LabCorp
Classification: Likely pathogenic for Glycogen storage disease, type II. Last evaluated: 2025-09-25. Review status: criteria provided, single submitter. Criteria: LabCorp Variant Classification Summary - May 2015. Collection method: clinical testing. Allele origin: germline. Not counted in ClinVar's aggregate classification.
Comment: Variant summary: GAA c.2799+4A>G alters a conserved nucleotide located close to a canonical splice site and therefore could affect mRNA splicing, leading to a significantly altered protein sequence. Consensus agreement among computation tools predict no significant impact on normal splicing. However, these predictions have yet to be confirmed by functional studies. The variant allele was found at a frequency of 4e-06 in 249970 control chromosomes. c.2799+4A>G has been observed in individuals affected with Glycogen Storage Disease, Type 2 (Pompe Disease) and an individual affected with Limb-Girdle Muscular Dystrophy (Stepien_2016, Nallamilli_2018, Lu_2025, internal data). These data indicate that the variant may be associated with disease. To our knowledge, no experimental evidence demonstrating an impact on protein function has been reported. The following publications have been ascertained in the context of this evaluation (PMID: 30564623, 26873529, 39914294). ClinVar contains an entry for this variant (Variation ID: 286228). Based on the evidence outlined above, the variant was classified as likely pathogenic.

Fulgent Genetics
Classification: Likely pathogenic for Glycogen storage disease, type II. Last evaluated: 2024-04-19. Review status: criteria provided, single submitter. Criteria: ACMG Guidelines, 2015. Collection method: clinical testing. Allele origin: germline. Not counted in ClinVar's aggregate classification.

Revvity Omics, Revvity
Classification: Uncertain significance. Last evaluated: 2023-06-19. Review status: criteria provided, single submitter. Criteria: ACMG Guidelines, 2015. Collection method: clinical testing. Allele origin: germline. Not counted in ClinVar's aggregate classification.

Genome-Nilou Lab
Classification: Uncertain significance for Glycogen storage disease, type II. Last evaluated: 2021-09-05. Review status: criteria provided, single submitter. Criteria: ACMG Guidelines, 2015. Collection method: clinical testing. Allele origin: germline. Affected: no. Not counted in ClinVar's aggregate classification.

Eurofins Ntd Llc (ga)
Classification: Uncertain significance. Last evaluated: 2016-02-23. Review status: criteria provided, single submitter. Criteria: EGL Classification Definitions 2015. Collection method: clinical testing. Allele origin: germline. Observed: 1 variant allele, 1 heterozygote. Not counted in ClinVar's aggregate classification.

Counsyl
Classification: Uncertain significance for Glycogen storage disease, type II. Last evaluated: 2018-04-17. Review status: no assertion criteria provided. Collection method: clinical testing. Allele origin: unknown. Not counted in ClinVar's aggregate classification.

Literature cited by the submitters: PubMed 27858622 (cited by Genomenon, Inc); PubMed 25085675 (cited by Genomenon, Inc); PubMed 26873529 (cited by 4 submitters); PubMed 30564623 (cited by Labcorp Genetics (formerly Invitae), Labcorp and Women's Health and Genetics/Laboratory Corporation of America, LabCorp); PubMed 17576681 (cited by Labcorp Genetics (formerly Invitae), Labcorp); PubMed 9536098 (cited by Labcorp Genetics (formerly Invitae), Labcorp); PubMed 39914294 (cited by Women's Health and Genetics/Laboratory Corporation of America, LabCorp).